The following is an entry in ClinVar:

NM_000069.3(CACNA1S):c.4769A>T (p.Glu1590Val)

Gene: CACNA1S (calcium voltage-gated channel subunit alpha1 S; minus strand). Cytogenetic location: 1q32.1.
Variant type: single nucleotide variant.
Coding change: c.4769A>T on transcript NM_000069.3 (MANE Select); coding-DNA position 4769, A replaced by T.
Protein change: p.Glu1590Val; replaces glutamic acid 1590 with valine.
Molecular consequence: missense variant.
Genome position (GRCh38, 1-based): chr1:201,044,356, T>A on the plus strand (A>T on the coding strand, the complement: CACNA1S is on the minus strand). VCF-style: chr1-201044356-T-A. GRCh37 (hg19) VCF-style: chr1-201013484-T-A.
Other names: short protein forms E1590V.
Identifiers: ClinVar variation 4282128 (VCV004282128.1).

ClinVar aggregate classification (germline): Uncertain significance (1 of 4 stars; one submission).

Submission:

GeneDx
Classification: Uncertain significance. Last evaluated: 2025-04-10. Review status: criteria provided, single submitter. Criteria: GeneDx Variant Classification Process June 2021. Collection method: clinical testing. Allele origin: germline. Affected: yes.
Comment: Not observed at significant frequency in large population cohorts (gnomAD); In silico analysis supports that this missense variant has a deleterious effect on protein structure/function; Has not been previously published as pathogenic or benign to our knowledge